The following is an entry in ClinVar:

NM_001261826.3(AP3D1):c.3118C>T (p.Arg1040Trp)

Gene: AP3D1 (adaptor related protein complex 3 subunit delta 1; minus strand). Cytogenetic location: 19p13.3.
Variant type: single nucleotide variant.
Coding change: c.3118C>T on transcript NM_001261826.3 (MANE Select); coding-DNA position 3118, C replaced by T.
Protein change: p.Arg1040Trp; replaces arginine 1040 with tryptophan.
Molecular consequence: missense variant.
Genome position (GRCh38, 1-based): chr19:2,110,764, G>A on the plus strand (C>T on the coding strand, the complement: AP3D1 is on the minus strand). VCF-style: chr19-2110764-G-A. GRCh37 (hg19) VCF-style: chr19-2110763-G-A.
Other names: c.3082C>T, p.Arg1028Trp (NM_001374799.1); c.2932C>T, p.Arg978Trp (NM_003938.8); short protein forms R1028W, R978W, R1040W.
Identifiers: ClinVar variation 2900771 (VCV002900771.3), dbSNP rs201069215, ClinGen allele CA9058567.

ClinVar aggregate classification (germline): Uncertain significance (1 of 4 stars; one submission).

Allele frequency attached by ClinVar (database versions not stated): TOPMed 0.00001; ExAC 0.00002; gnomAD 0.00002; gnomAD exomes 0.00002; ESP Exome Variant Server 0.00008; 1000 Genomes Project 30x 0.00016; 1000 Genomes Project 0.00020.
gnomAD v4.1: 30 of 1,612,160 alleles (0.0019%); highest among the groups gnomAD compares: East Asian, 0.0067%; no homozygotes.

Submission:

Labcorp Genetics (formerly Invitae), Labcorp
Classification: Uncertain significance. Last evaluated: 2023-06-22. Review status: criteria provided, single submitter. Criteria: Invitae Variant Classification Sherloc (09022015). Collection method: clinical testing. Allele origin: germline.
Comment: In summary, the available evidence is currently insufficient to determine the role of this variant in disease. Therefore, it has been classified as a Variant of Uncertain Significance. An algorithm developed to predict the effect of missense changes on protein structure and function (PolyPhen-2) suggests that this variant is likely to be disruptive. This variant has not been reported in the literature in individuals affected with AP3D1-related conditions. This variant is present in population databases (rs201069215, gnomAD 0.005%). This sequence change replaces arginine, which is basic and polar, with tryptophan, which is neutral and slightly polar, at codon 1040 of the AP3D1 protein (p.Arg1040Trp).